The following is an entry in ClinVar:

ClinVar aggregate classification (germline): Conflicting classifications of pathogenicity. Review status: criteria provided, conflicting classifications (1 of 4 stars). 2 submissions from 2 submitters: Uncertain significance (1); Likely benign (1). Last evaluated 2025-04-27.

Conditions:
Lung cancer. Also called: Malignant tumor of lung; Lung cancer, somatic. Identifiers: MedGen C0242379, MONDO:0008903, OMIM 211980.
EGFR-related lung cancer (EGFR). Identifiers: MedGen CN130014.

Allele frequency attached by ClinVar (database versions not stated): gnomAD exomes 0.00001 and 0.00002; ExAC 0.00003.
gnomAD v4.1: 9 of 1,614,226 alleles (0.00056%); highest among the groups gnomAD compares: Non-Finnish European, 0.00034%; no homozygotes.

Submissions (2):

Labcorp Genetics (formerly Invitae), Labcorp
Classification: Uncertain significance for EGFR-related lung cancer. Last evaluated: 2025-04-27. Review status: criteria provided, single submitter. Criteria: Invitae Variant Classification Sherloc (09022015). Collection method: clinical testing. Allele origin: germline.
Comment: This sequence change falls in intron 20 of the EGFR gene. It does not directly change the encoded amino acid sequence of the EGFR protein. It affects a nucleotide within the consensus splice site. This variant is present in population databases (rs775576810, gnomAD 0.004%). This variant has not been reported in the literature in individuals affected with EGFR-related conditions. ClinVar contains an entry for this variant (Variation ID: 972415). Variants that disrupt the consensus splice site are a relatively common cause of aberrant splicing (PMID: 17576681, 9536098). Algorithms developed to predict the effect of sequence changes on RNA splicing suggest that this variant is not likely to affect RNA splicing. In summary, the available evidence is currently insufficient to determine the role of this variant in disease. Therefore, it has been classified as a Variant of Uncertain Significance.

Myriad Genetics, Inc.
Classification: Likely benign for Lung cancer. Last evaluated: 2024-10-16. Review status: criteria provided, single submitter. Criteria: Myriad Autosomal Dominant, Autosomal Recessive and X-Linked Classification Criteria (2023). Collection method: clinical testing. Allele origin: unknown.
Comment: This variant is considered likely benign. This variant is intronic and is not expected to impact mRNA splicing. This variant has been observed at a population frequency that is significantly greater than expected given the associated disease prevalence and penetrance.

Literature cited by the submitters: PubMed 17576681 (cited by Labcorp Genetics (formerly Invitae), Labcorp); PubMed 9536098 (cited by Labcorp Genetics (formerly Invitae), Labcorp).

NM_005228.5(EGFR):c.2469+6C>A

Genes: EGFR-AS1 (EGFR antisense RNA 1; minus strand), EGFR (epidermal growth factor receptor; plus strand). Cytogenetic location: 7p11.2.
Variant type: single nucleotide variant.
Coding change: c.2469+6C>A on transcript NM_005228.5 (MANE Select); 6 bases into the intron after coding-DNA position 2469, C replaced by A.
Molecular consequence: intron variant. On other transcripts: non-coding transcript variant (1).
Genome position (GRCh38, 1-based): chr7:55,181,484, C>A. VCF-style: chr7-55181484-C-A. GRCh37 (hg19) VCF-style: chr7-55249177-C-A.
Other names: c.2334+6C>A (NM_001346899.2, NM_001346897.2); c.1668+6C>A (NM_001346941.2); c.2469+6C>A (NM_001346898.2); c.2310+6C>A (NM_001346900.2).
Identifiers: ClinVar variation 972415 (VCV000972415.11), dbSNP rs775576810, ClinGen allele CA4266076.